The following is an entry in ClinVar:

ClinVar aggregate classification (germline): Uncertain significance (1 of 4 stars; one submission).

Conditions:
Epileptic encephalopathy. Identifiers: MedGen C0543888, HP:0200134.

gnomAD v4.1: 1 of 1,612,582 alleles (0.000062%); highest among the groups gnomAD compares: Non-Finnish European, 0.000085%; no homozygotes.

Submission:

Labcorp Genetics (formerly Invitae), Labcorp
Classification: Uncertain significance for Epileptic encephalopathy. Last evaluated: 2024-03-07. Review status: criteria provided, single submitter. Criteria: Invitae Variant Classification Sherloc (09022015). Collection method: clinical testing. Allele origin: germline.
Comment: This sequence change replaces serine, which is neutral and polar, with phenylalanine, which is neutral and non-polar, at codon 1438 of the FASN protein (p.Ser1438Phe). This variant is not present in population databases (gnomAD no frequency). This variant has not been reported in the literature in individuals affected with FASN-related conditions. An algorithm developed to predict the effect of missense changes on protein structure and function (PolyPhen-2) suggests that this variant is likely to be tolerated. In summary, the available evidence is currently insufficient to determine the role of this variant in disease. Therefore, it has been classified as a Variant of Uncertain Significance.

NM_004104.5(FASN):c.4313C>T (p.Ser1438Phe)

Gene: FASN (fatty acid synthase; minus strand). Cytogenetic location: 17q25.3.
Variant type: single nucleotide variant.
Coding change: c.4313C>T on transcript NM_004104.5 (MANE Select); coding-DNA position 4313, C replaced by T.
Protein change: p.Ser1438Phe; replaces serine 1438 with phenylalanine.
Molecular consequence: missense variant.
Genome position (GRCh38, 1-based): chr17:82,085,131, G>A on the plus strand (C>T on the coding strand, the complement: FASN is on the minus strand). VCF-style: chr17-82085131-G-A. GRCh37 (hg19) VCF-style: chr17-80043007-G-A.
Other names: short protein forms S1438F.
Identifiers: ClinVar variation 3610790 (VCV003610790.2).